The following is an entry in ClinVar:

ClinVar aggregate classification (germline): Pathogenic. Review status: criteria provided, multiple submitters, no conflicts (2 of 4 stars). 3 submissions from 3 submitters: Pathogenic (2). 1 of the submissions does not count toward it. Last evaluated 2023-09-09.

Conditions:
Miyoshi muscular dystrophy 1 (MMD1). Identifiers: Orphanet 45448, MedGen C4551973, MONDO:0024545, OMIM 254130.
Neuromuscular disease caused by qualitative or quantitative defects of dysferlin. Also called: Dysferlinopathy; Qualitative or quantitative defects of dysferlin. Identifiers: Orphanet 207073, MedGen C2931687, MONDO:0016145.
Autosomal recessive limb-girdle muscular dystrophy type 2B (LGMDR2). Also called: MUSCULAR DYSTROPHY, LIMB-GIRDLE, AUTOSOMAL RECESSIVE 2; MUSCULAR DYSTROPHY, LIMB-GIRDLE, TYPE 3; Limb-girdle muscular dystrophy, type 2B; Limb-Girdle Muscular Dystrophy Type 2B (LGMD2B). Identifiers: Orphanet 268, MedGen C1850889, MONDO:0009676, OMIM 253601.

Allele frequency attached by ClinVar (database versions not stated): gnomAD exomes below 0.00001.
gnomAD v4.1: 1 of 1,614,200 alleles (0.000062%); highest among the groups gnomAD compares: East Asian, 0.0022%; no homozygotes.

Submissions (3):

Labcorp Genetics (formerly Invitae), Labcorp
Classification: Pathogenic for Neuromuscular disease caused by qualitative or quantitative defects of dysferlin. Last evaluated: 2023-09-09. Review status: criteria provided, single submitter. Criteria: Invitae Variant Classification Sherloc (09022015). Collection method: clinical testing. Allele origin: germline.
Comment: For these reasons, this variant has been classified as Pathogenic. ClinVar contains an entry for this variant (Variation ID: 557310). This premature translational stop signal has been observed in individual(s) with limb-girdle muscular dystrophy and/or Miyoshi myopathy (PMID: 25591676, 34559919). This variant is present in population databases (no rsID available, gnomAD 0.006%). This sequence change creates a premature translational stop signal (p.Gln1201*) in the DYSF gene. It is expected to result in an absent or disrupted protein product. Loss-of-function variants in DYSF are known to be pathogenic (PMID: 17698709, 20301480).

Baylor Genetics
Classification: Pathogenic for Miyoshi muscular dystrophy 1. Last evaluated: 2023-06-15. Review status: criteria provided, single submitter. Criteria: ACMG Guidelines, 2015. Collection method: clinical testing. Allele origin: unknown.

Counsyl
Classification: Pathogenic for Autosomal recessive limb-girdle muscular dystrophy type 2B. Last evaluated: 2018-03-15. Review status: no assertion criteria provided. Collection method: clinical testing. Allele origin: unknown. Not counted in ClinVar's aggregate classification.

Literature cited by the submitters: PubMed 25591676 (cited by Labcorp Genetics (formerly Invitae), Labcorp and Counsyl); PubMed 34559919 (cited by Labcorp Genetics (formerly Invitae), Labcorp); PubMed 17698709 (cited by Labcorp Genetics (formerly Invitae), Labcorp); PubMed 20301480 (cited by Labcorp Genetics (formerly Invitae), Labcorp); PubMed 28403181 (cited by Counsyl).

NM_001130987.2(DYSF):c.3655C>T (p.Gln1219Ter)

Gene: DYSF (dysferlin; plus strand). Cytogenetic location: 2p13.2.
Variant type: single nucleotide variant.
Coding change: c.3655C>T on transcript NM_001130987.2 (MANE Select); coding-DNA position 3655, C replaced by T.
Protein change: p.Gln1219Ter; replaces glutamine 1219 with a stop codon.
Molecular consequence: nonsense.
Genome position (GRCh38, 1-based): chr2:71,598,644, C>T. VCF-style: chr2-71598644-C-T. GRCh37 (hg19) VCF-style: chr2-71825774-C-T.
Other names: c.3604C>T, p.Gln1202Ter (NM_001130455.2, NM_001130983.2); c.3559C>T, p.Gln1187Ter (NM_001130976.2, NM_001130977.2); c.3601C>T, p.Gln1201Ter (NM_001130978.2, NM_003494.4); c.3694C>T, p.Gln1232Ter (NM_001130979.2); c.3652C>T, p.Gln1218Ter (NM_001130980.2, NM_001130981.2); c.3697C>T, p.Gln1233Ter (NM_001130982.2); c.3562C>T, p.Gln1188Ter (NM_001130984.2, NM_001130986.2); c.3655C>T, p.Gln1219Ter (NM_001130985.2); short protein forms Q1201*, Q1219*, Q1202*, Q1187*, Q1218*, Q1233*, Q1188*, Q1232*.
Identifiers: ClinVar variation 557310 (VCV000557310.6), dbSNP rs1380642629, ClinGen allele CA347223890.